The following is an entry in ClinVar:

ClinVar aggregate classification (germline): Likely pathogenic. Review status: criteria provided, multiple submitters, no conflicts (2 of 4 stars). 2 submissions from 2 submitters: Likely pathogenic (2). Last evaluated 2026-01-27.

Conditions:
Congenital lactic acidosis, Saguenay-Lac-Saint-Jean type (MC4DN5). Also called: MITOCHONDRIAL COMPLEX IV DEFICIENCY, NUCLEAR TYPE 5; CYTOCHROME c OXIDASE DEFICIENCY, FRENCH CANADIAN TYPE; COX DEFICIENCY, FRENCH CANADIAN TYPE. Identifiers: Orphanet 70472, MedGen C1857355, MONDO:0009069, OMIM 220111.

Submissions (2):

Natera, Inc.
Classification: Likely pathogenic for French-Canadian type Leigh syndrome. Last evaluated: 2026-01-27. Review status: criteria provided, single submitter. Criteria: Natera Variant Classification Schema (03/2026). Collection method: clinical testing. Allele origin: germline.
Comment: The c.3566dup variant in LRPPRC is a frameshift variant predicted to shift the reading frame beginning at codon 1190 and leads to a stop codon 2 codons downstream. This variant is expected to result in nonsense mediated decay, truncation, or a dysfunctional protein product. This variant is rare in the general population with a frequency below the threshold expected for the associated phenotype(s). Given the available evidence, this variant is classified as Likely Pathogenic.

GeneDx
Classification: Likely pathogenic. Last evaluated: 2018-03-12. Review status: criteria provided, single submitter. Criteria: GeneDx Variant Classification (06012015). Collection method: clinical testing. Allele origin: germline. Affected: yes.
Comment: The c.3566dupA variant in the LRPPRC gene has not been reported previously as a pathogenic variant nor as a benign variant, to our knowledge. This variant causes a frameshift starting with codon Asparagine 1190, changes this amino acid to a Glutamic acid residue, and creates a premature Stop codon at position 2 of the new reading frame, denoted p.Asn1190GlufsX2. The c.3566dupA variant is predicted to cause loss of normal protein function either through protein truncation or nonsense-mediated mRNA decay. This variant is not observed at a significant frequency in large population cohorts (Lek et al., 2016). We interpret c.3566dupA as a likely pathogenic variant.

NM_133259.4(LRPPRC):c.3566dup (p.Asn1190fs)

Gene: LRPPRC (leucine rich pentatricopeptide repeat containing; minus strand). Cytogenetic location: 2p21.
Variant type: Duplication.
Coding change: c.3566dup on transcript NM_133259.4 (MANE Select); coding-DNA position 3566, one base duplicated (A; older notation c.3566dupA).
Protein change: p.Asn1190fs; shifts the reading frame from asparagine 1190.
Molecular consequence: frameshift variant.
Genome position (GRCh38, 1-based): chr2:43,901,323, T duplicated on the plus strand (A on the coding strand, the reverse complement: LRPPRC is on the minus strand); the first of 3 consecutive T bases (chr2:43,901,323-43,901,325); duplicating any one gives the same sequence. VCF-style (leftmost placement, unchanged base first): chr2-43901322-C-CT. GRCh37 (hg19) VCF-style: chr2-44128461-C-CT.
Other names: c.3566dupA (NM_133259.3); c.3566dup (NM_133259.3); short protein forms N1190fs.
Identifiers: ClinVar variation 524001 (VCV000524001.5), dbSNP rs762254417, ClinGen allele CA1638038.